The following is an entry in ClinVar:

NM_024312.5(GNPTAB):c.1947C>G (p.Tyr649Ter)

Gene: GNPTAB (N-acetylglucosamine-1-phosphate transferase subunits alpha and beta; minus strand). Cytogenetic location: 12q23.2.
Variant type: single nucleotide variant.
Coding change: c.1947C>G on transcript NM_024312.5 (MANE Select); coding-DNA position 1947, C replaced by G.
Protein change: p.Tyr649Ter; replaces tyrosine 649 with a stop codon.
Molecular consequence: nonsense.
Genome position (GRCh38, 1-based): chr12:101,764,970, G>C on the plus strand (C>G on the coding strand, the complement: GNPTAB is on the minus strand). VCF-style: chr12-101764970-G-C. GRCh37 (hg19) VCF-style: chr12-102158748-G-C.
Other names: c.1947C>G (NM_024312.4); short protein forms Y649*.
Identifiers: ClinVar variation 4786942 (VCV004786942.2).

ClinVar aggregate classification (germline): Pathogenic/Likely pathogenic. Review status: criteria provided, multiple submitters, no conflicts (2 of 4 stars). 2 submissions from 2 submitters: Pathogenic (1); Likely pathogenic (1). Last evaluated 2025-12-08.

Conditions:
Mucolipidosis type II. Also called: ML II ALPHA/BETA; Mucolipidosis 2; ML 2; Inclusion cell disease; Leroy Disease; N-acetylglucosamine 1phosphotransferase deficiency. Identifiers: Orphanet 576, MedGen C2673377, MONDO:0009650, OMIM 252500.
Pseudo-Hurler polydystrophy. Also called: ML III; ML III ALPHA/BETA; MUCOLIPIDOSIS IIIA; Type III Mucolipidosis; ML IIIA; Mucolipidosis III Alpha/Beta. Identifiers: Orphanet 423461, Orphanet 577, MedGen C0033788, MONDO:0018931, OMIM 252600.

Submissions (2):

Labcorp Genetics (formerly Invitae), Labcorp
Classification: Pathogenic for Pseudo-Hurler polydystrophy; Mucolipidosis type II. Last evaluated: 2025-12-08. Review status: criteria provided, single submitter. Criteria: Invitae Variant Classification Sherloc (09022015). Collection method: clinical testing. Allele origin: germline.
Comment: This sequence change creates a premature translational stop signal (p.Tyr649*) in the GNPTAB gene. It is expected to result in an absent or disrupted protein product. Loss-of-function variants in GNPTAB are known to be pathogenic (PMID: 19617216, 25107912). This variant is not present in population databases (gnomAD no frequency). This variant has not been reported in the literature in individuals affected with GNPTAB-related conditions. For these reasons, this variant has been classified as Pathogenic.

Natera, Inc.
Classification: Likely pathogenic for Mucolipidosis type II. Last evaluated: 2025-09-12. Review status: criteria provided, single submitter. Criteria: Natera Variant Classification Schema (03/2026). Collection method: clinical testing. Allele origin: germline.
Comment: The c.1947C>G variant in GNPTAB is a nonsense variant predicted to introduce a stop codon at amino acid 649. This variant is expected to result in nonsense mediated decay, truncation, or a dysfunctional protein product. This variant is rare in the general population with a frequency below the threshold expected for the associated phenotype(s). Given the available evidence, this variant is classified as Likely Pathogenic.

Literature cited by the submitters: PubMed 19617216 (cited by Labcorp Genetics (formerly Invitae), Labcorp); PubMed 25107912 (cited by Labcorp Genetics (formerly Invitae), Labcorp).